The following is an entry in ClinVar:

NM_004370.6(COL12A1):c.7482C>G (p.Asp2494Glu)

Gene: COL12A1 (collagen type XII alpha 1 chain; minus strand). Cytogenetic location: 6q13.
Variant type: single nucleotide variant.
Coding change: c.7482C>G on transcript NM_004370.6 (MANE Select); coding-DNA position 7482, C replaced by G.
Protein change: p.Asp2494Glu; replaces aspartic acid 2494 with glutamic acid.
Molecular consequence: missense variant.
Genome position (GRCh38, 1-based): chr6:75,117,419, G>C on the plus strand (C>G on the coding strand, the complement: COL12A1 is on the minus strand). VCF-style: chr6-75117419-G-C. GRCh37 (hg19) VCF-style: chr6-75827135-G-C.
Other names: c.7482C>G, p.Asp2494Glu (NM_001424113.1); c.7461C>G, p.Asp2487Glu (NM_001424114.1); c.7209C>G, p.Asp2403Glu (NM_001424115.1); c.3990C>G, p.Asp1330Glu (NM_001424116.1, NM_080645.3); short protein forms D2403E, D1330E, D2494E, D2487E.
Identifiers: ClinVar variation 2954039 (VCV002954039.3), dbSNP rs2533190344, ClinGen allele CA364746364.

ClinVar aggregate classification (germline): Uncertain significance (1 of 4 stars; one submission).

Conditions:
Ullrich congenital muscular dystrophy 2 (UCMD2). Identifiers: Orphanet 75840, MedGen C4225314, MONDO:0014654, OMIM 616470.
Bethlem myopathy 2 (BTHLM2). Identifiers: Orphanet 536516, Orphanet 610, MedGen C4225313, MONDO:0034022, OMIM 616471.

Submission:

Labcorp Genetics (formerly Invitae), Labcorp
Classification: Uncertain significance for Bethlem myopathy 2; Ullrich congenital muscular dystrophy 2. Last evaluated: 2023-11-19. Review status: criteria provided, single submitter. Criteria: Invitae Variant Classification Sherloc (09022015). Collection method: clinical testing. Allele origin: germline.
Comment: This sequence change replaces aspartic acid, which is acidic and polar, with glutamic acid, which is acidic and polar, at codon 2494 of the COL12A1 protein (p.Asp2494Glu). This variant is not present in population databases (gnomAD no frequency). This variant has not been reported in the literature in individuals affected with COL12A1-related conditions. Advanced modeling of protein sequence and biophysical properties (such as structural, functional, and spatial information, amino acid conservation, physicochemical variation, residue mobility, and thermodynamic stability) performed at Invitae indicates that this missense variant is not expected to disrupt COL12A1 protein function with a negative predictive value of 80%. In summary, the available evidence is currently insufficient to determine the role of this variant in disease. Therefore, it has been classified as a Variant of Uncertain Significance.